The following is an entry in ClinVar:

ClinVar aggregate classification (germline): Uncertain significance. Review status: criteria provided, multiple submitters, no conflicts (2 of 4 stars). 4 submissions from 4 submitters: Uncertain significance (3). 1 of the submissions does not count toward it. Last evaluated 2024-12-30.

Conditions:
Glycogen storage disease type III (GSD3). Also called: Cori disease; FORBES DISEASE. Identifiers: Orphanet 366, MedGen C0017922, MONDO:0009291, OMIM 232400.

Allele frequency attached by ClinVar (database versions not stated): gnomAD exomes 0.00001 and 0.00002; ExAC 0.00003; gnomAD 0.00006 and 0.00007; TOPMed 0.00006; ESP Exome Variant Server 0.00008; 1000 Genomes Project 0.00020; 1000 Genomes Project 30x 0.00031.
gnomAD v4.1: 25 of 1,613,716 alleles (0.0015%); highest among the groups gnomAD compares: Middle Eastern, 0.05%; no homozygotes.

Submissions (4):

Labcorp Genetics (formerly Invitae), Labcorp
Classification: Uncertain significance for Glycogen storage disease type III. Last evaluated: 2024-12-30. Review status: criteria provided, single submitter. Criteria: Invitae Variant Classification Sherloc (09022015). Collection method: clinical testing. Allele origin: germline.
Comment: This sequence change replaces asparagine, which is neutral and polar, with serine, which is neutral and polar, at codon 565 of the AGL protein (p.Asn565Ser). This variant is present in population databases (rs180768312, gnomAD 0.008%). This variant has not been reported in the literature in individuals affected with AGL-related conditions. ClinVar contains an entry for this variant (Variation ID: 648159). Invitae Evidence Modeling of protein sequence and biophysical properties (such as structural, functional, and spatial information, amino acid conservation, physicochemical variation, residue mobility, and thermodynamic stability) indicates that this missense variant is not expected to disrupt AGL protein function with a negative predictive value of 80%. In summary, the available evidence is currently insufficient to determine the role of this variant in disease. Therefore, it has been classified as a Variant of Uncertain Significance.

Genome-Nilou Lab
Classification: Uncertain significance for Glycogen storage disease type III. Last evaluated: 2023-04-11. Review status: criteria provided, single submitter. Criteria: ACMG Guidelines, 2015. Collection method: clinical testing. Allele origin: germline. Affected: no.

Fulgent Genetics
Classification: Uncertain significance for Glycogen storage disease type III. Last evaluated: 2021-09-06. Review status: criteria provided, single submitter. Criteria: ACMG Guidelines, 2015. Collection method: clinical testing. Allele origin: unknown.

Natera, Inc.
Classification: Uncertain significance for Glycogen storage disease type III. Last evaluated: 2020-09-16. Review status: no assertion criteria provided. Collection method: clinical testing. Allele origin: germline. Not counted in ClinVar's aggregate classification.

NM_000642.3(AGL):c.1694A>G (p.Asn565Ser)

Gene: AGL (amylo-alpha-1,6-glucosidase and 4-alpha-glucanotransferase; plus strand). Cytogenetic location: 1p21.2.
Variant type: single nucleotide variant.
Coding change: c.1694A>G on transcript NM_000642.3 (MANE Select); coding-DNA position 1694, A replaced by G.
Protein change: p.Asn565Ser; replaces asparagine 565 with serine.
Molecular consequence: missense variant.
Genome position (GRCh38, 1-based): chr1:99,880,005, A>G. VCF-style: chr1-99880005-A-G. GRCh37 (hg19) VCF-style: chr1-100345561-A-G.
Other names: c.1694A>G, p.Asn565Ser (NM_000028.3, NM_000643.3, NM_000644.3 and 2 more transcripts); c.1646A>G, p.Asn549Ser (NM_000646.3); c.1493A>G, p.Asn498Ser (NM_001425327.1); c.1490A>G, p.Asn497Ser (NM_001425328.1, NM_001425329.1); c.1316A>G, p.Asn439Ser (NM_001425332.1); short protein forms N549S, N565S, N439S, N497S, N498S.
Identifiers: ClinVar variation 648159 (VCV000648159.9), dbSNP rs180768312, ClinGen allele CA966561.